The following is an entry in ClinVar:

ClinVar aggregate classification (germline): Uncertain significance. Review status: criteria provided, multiple submitters, no conflicts (2 of 4 stars). 2 submissions from 2 submitters: Uncertain significance (2). Last evaluated 2025-11-14.

Conditions:
Hereditary nonpolyposis colorectal neoplasms. Identifiers: MedGen C0009405, MeSH D003123.
Hereditary cancer-predisposing syndrome. Also called: Hereditary Cancer Syndrome; Hereditary neoplastic syndrome; Neoplastic Syndromes, Hereditary; Tumor predisposition. Identifiers: Orphanet 140162, MedGen C0027672, MeSH D009386, MONDO:0015356.

Submissions (2):

Ambry Genetics
Classification: Uncertain significance for Hereditary cancer-predisposing syndrome. Last evaluated: 2025-11-14. Review status: criteria provided, single submitter. Criteria: Ambry Variant Classification Scheme 2023. Collection method: clinical testing. Allele origin: germline.
Comment: The p.E919K variant (also known as c.2755G>A), located in coding exon 4 of the MSH6 gene, results from a G to A substitution at nucleotide position 2755. The glutamic acid at codon 919 is replaced by lysine, an amino acid with similar properties. This amino acid position is not well conserved in available vertebrate species. In addition, the in silico prediction for this alteration is inconclusive. Based on the available evidence, the clinical significance of this variant remains unclear.

Labcorp Genetics (formerly Invitae), Labcorp
Classification: Uncertain significance for Hereditary nonpolyposis colorectal neoplasms. Last evaluated: 2017-02-02. Review status: criteria provided, single submitter. Criteria: Invitae Variant Classification Sherloc (09022015). Collection method: clinical testing. Allele origin: germline.
Comment: This variant is not present in population databases (ExAC no frequency) and has not been reported in the literature in individuals with an MSH6-related disease. Algorithms developed to predict the effect of missense changes on protein structure and function (SIFT, PolyPhen-2, Align-GVGD) all suggest that this variant is likely to be tolerated, but these predictions have not been confirmed by published functional studies. In summary, this variant is a novel missense change that is not predicted to affect protein function. There is no indication that it causes disease, but the available evidence is currently insufficient to prove that conclusively. Therefore, it has been classified as a Variant of Uncertain Significance. This sequence change replaces glutamic acid with lysine at codon 919 of the MSH6 protein (p.Glu919Lys). The glutamic acid residue is moderately conserved and there is a small physicochemical difference between glutamic acid and lysine.

NM_000179.3(MSH6):c.2755G>A (p.Glu919Lys)

Gene: MSH6 (mutS homolog 6; plus strand). Cytogenetic location: 2p16.3.
Variant type: single nucleotide variant.
Coding change: c.2755G>A on transcript NM_000179.3 (MANE Select); coding-DNA position 2755, G replaced by A.
Protein change: p.Glu919Lys; replaces glutamic acid 919 with lysine.
Molecular consequence: missense variant.
Genome position (GRCh38, 1-based): chr2:47,800,738, G>A. VCF-style: chr2-47800738-G-A. GRCh37 (hg19) VCF-style: chr2-48027877-G-A.
Other names: c.2365G>A, p.Glu789Lys (NM_001281492.2); c.1849G>A, p.Glu617Lys (NM_001281493.2, NM_001281494.2); short protein forms E919K, E617K, E789K.
Identifiers: ClinVar variation 455218 (VCV000455218.12), dbSNP rs1553414110, ClinGen allele CA346755427.